The following is an entry in ClinVar:

NM_001365276.2(TNXB):c.1948C>T (p.Arg650Cys)

Gene: TNXB (tenascin XB; minus strand). Cytogenetic location: 6p21.33.
Variant type: single nucleotide variant.
Coding change: c.1948C>T on transcript NM_001365276.2 (MANE Select); coding-DNA position 1948, C replaced by T.
Protein change: p.Arg650Cys; replaces arginine 650 with cysteine.
Molecular consequence: missense variant.
Genome position (GRCh38, 1-based): chr6:32,095,905, G>A on the plus strand (C>T on the coding strand, the complement: TNXB is on the minus strand). VCF-style: chr6-32095905-G-A. GRCh37 (hg19) VCF-style: chr6-32063682-G-A.
Other names: c.1948C>T, p.Arg650Cys (NM_001428335.1, NM_019105.8); short protein forms R650C.
Identifiers: ClinVar variation 3459755 (VCV003459755.1).

ClinVar aggregate classification (germline): Uncertain significance (1 of 4 stars; one submission).

Conditions:
Cardiovascular phenotype. Identifiers: MedGen CN230736.

gnomAD v4.1: 3 of 1,612,522 alleles (0.00019%); highest among the groups gnomAD compares: Admixed American, 0.0017%; no homozygotes.

Submission:

Ambry Genetics
Classification: Uncertain significance for Cardiovascular phenotype. Last evaluated: 2024-07-14. Review status: criteria provided, single submitter. Criteria: Ambry Variant Classification Scheme 2023. Collection method: clinical testing. Allele origin: germline.
Comment: The p.R650C variant (also known as c.1948C>T), located in coding exon 2 of the TNXB gene, results from a C to T substitution at nucleotide position 1948. The arginine at codon 650 is replaced by cysteine, an amino acid with highly dissimilar properties. This amino acid position is conserved. In addition, this alteration is predicted to be tolerated by in silico analysis. Based on the available evidence, the clinical significance of this variant remains unclear.